The following is an entry in ClinVar:

NM_170707.4(LMNA):c.357-9C>A

Genes: LMNA (lamin A/C; plus strand), LOC126805877 (MED14-independent group 3 enhancer GRCh37_chr1:156099693-156100892; plus strand). Cytogenetic location: 1q22.
Variant type: single nucleotide variant.
Coding change: c.357-9C>A on transcript NM_170707.4 (MANE Select); 9 bases into the intron before coding-DNA position 357, C replaced by A.
Molecular consequence: intron variant.
Genome position (GRCh38, 1-based): chr1:156,130,608, C>A. VCF-style: chr1-156130608-C-A. GRCh37 (hg19) VCF-style: chr1-156100399-C-A.
Other names: c.-45-3795C>A (NM_001406995.1, NM_001406990.1, NM_001407002.1); c.357-9C>A (NM_005572.4, NM_001406983.1, NM_001282625.2 and 6 more transcripts); c.114-9C>A (NM_001282624.2, NM_001406987.1, NM_001406986.1); c.21-9C>A (NM_001406998.1, NM_001406989.1, NM_001257374.3); c.60-9C>A (NM_001406988.1); c.-202-9C>A (NM_001406997.1, NM_001406996.1, NM_001406993.1 and 1 more transcripts); c.-308-9C>A (NM_001406999.1, NM_001407000.1, NM_001406994.1); c.-151-3795C>A (NM_001407001.1).
Identifiers: ClinVar variation 3070462 (VCV003070462.1), dbSNP rs1186195332, ClinGen allele CA526670878.

ClinVar aggregate classification (germline): Uncertain significance (1 of 4 stars; one submission).

Conditions:
Primary dilated cardiomyopathy (DCM). Also called: Dilated Cardiomyopathy. Identifiers: Orphanet 217604, MedGen C0007193, MeSH D002311, MONDO:0005021, HP:0001644. Inheritance: Various modes of inheritance.

Submission:

All of Us Research Program, National Institutes of Health
Classification: Uncertain significance for Primary dilated cardiomyopathy. Last evaluated: 2023-04-10. Review status: criteria provided, single submitter. Criteria: ACMG Guidelines, 2015. Collection method: clinical testing. Allele origin: germline. Inheritance: Autosomal dominant inheritance. Observed: 1 variant allele, 1 heterozygote.
Comment: This variant causes a C to A nucleotide substitution at the -9 position of intron 1 of the LMNA gene. To our knowledge, functional studies have not been reported for this variant. This variant has not been reported in individuals affected with LMNA-related disorders in the literature. This variant has been identified in 1/251244 chromosomes in the general population by the Genome Aggregation Database (gnomAD). The available evidence is insufficient to determine the role of this variant in disease conclusively. Therefore, this variant is classified as a Variant of Uncertain Significance.

This study involves interpretation of variants in research participants for the purpose of population health screening. Participant phenotype was not available at the time of variant classification. Additional details can be found in publication PMID: 35346344, PMCID: PMC8962531